The following is an entry in ClinVar:

NC_000022.11:g.(?_28724967)_(28734731_?)del

Gene: CHEK2 (checkpoint kinase 2; minus strand). Cytogenetic location: 22q12.1.
Variant type: Deletion.
Identifiers: ClinVar variation 583746 (VCV000583746.4).

ClinVar aggregate classification (germline): Pathogenic (1 of 4 stars; one submission).

Conditions:
Familial cancer of breast. Also called: Hereditary breast cancer; hereditary breast carcinoma; BREAST CANCER, FAMILIAL. Identifiers: Orphanet 227535, MedGen C0346153, MONDO:0016419, OMIM 114480. Disease mechanism: loss of function.

Submission:

Labcorp Genetics (formerly Invitae), Labcorp
Classification: Pathogenic for Hereditary Breast Carcinoma. Last evaluated: 2019-07-22. Review status: criteria provided, single submitter. Criteria: Invitae Variant Classification Sherloc (09022015). Collection method: clinical testing. Allele origin: germline.
Comment: This variant is a gross deletion of the genomic region encompassing exons 2-4 of the CHEK2 gene, which includes the initiator codon. The 5' end of this event is unknown as it extends beyond the assayed region for this gene and therefore may encompass additional genes. The 3' boundary is likely confined to intron 4 of the CHEK2 gene. This is expected to result in an absent or disrupted protein product. A deletion of exons 2-4 has been observed in an individual undergoing hereditary cancer testing (PMID: 24763289). Loss-of-function variants in CHEK2 are known to be pathogenic (PMID: 21876083, 24713400). For these reasons, this variant has been classified as Pathogenic.

Literature cited by the submitters: PubMed 24763289.